The following is an entry in ClinVar:

NM_001128840.3(CACNA1D):c.3870+1G>A

Gene: CACNA1D (calcium voltage-gated channel subunit alpha1 D; plus strand). Cytogenetic location: 3p21.1.
Variant type: single nucleotide variant.
Coding change: c.3870+1G>A on transcript NM_001128840.3 (MANE Select); the canonical splice donor site of the intron after coding-DNA position 3870, G replaced by A.
Molecular consequence: splice donor variant.
Genome position (GRCh38, 1-based): chr3:53,762,082, G>A. VCF-style: chr3-53762082-G-A. GRCh37 (hg19) VCF-style: chr3-53796109-G-A.
Other names: c.3870+1G>A (NM_001128839.3); c.3930+1G>A (NM_000720.4).
Identifiers: ClinVar variation 4694300 (VCV004694300.1).

ClinVar aggregate classification (germline): Uncertain significance (1 of 4 stars; one submission).

gnomAD v4.1: 4 of 1,602,192 alleles (0.00025%); highest among the groups gnomAD compares: Non-Finnish European, 0.00026%; no homozygotes.

Submission:

Labcorp Genetics (formerly Invitae), Labcorp
Classification: Uncertain significance. Last evaluated: 2025-12-01. Review status: criteria provided, single submitter. Criteria: Invitae Variant Classification Sherloc (09022015). Collection method: clinical testing. Allele origin: germline.
Comment: This sequence change affects a donor splice site in intron 31 of the CACNA1D gene. It is expected to disrupt RNA splicing. Variants that disrupt the donor or acceptor splice site typically lead to a loss of protein function (PMID: 16199547), however the current clinical and genetic evidence is not sufficient to establish whether loss-of-function variants in CACNA1D cause disease. This variant is present in population databases (no rsID available, gnomAD 0.0009%). This variant has not been reported in the literature in individuals affected with CACNA1D-related conditions. Algorithms developed to predict the effect of sequence changes on RNA splicing suggest that this variant may disrupt the consensus splice site. In summary, the available evidence is currently insufficient to determine the role of this variant in disease. Therefore, it has been classified as a Variant of Uncertain Significance.

Literature cited by the submitters: PubMed 16199547.